The following is an entry in ClinVar:

NM_001080517.3(SETD5):c.1405G>A (p.Val469Ile)

Gene: SETD5 (SET domain containing 5; plus strand). Cytogenetic location: 3p25.3.
Variant type: single nucleotide variant.
Coding change: c.1405G>A on transcript NM_001080517.3 (MANE Select); coding-DNA position 1405, G replaced by A.
Protein change: p.Val469Ile; replaces valine 469 with isoleucine.
Molecular consequence: missense variant.
Genome position (GRCh38, 1-based): chr3:9,445,265, G>A. VCF-style: chr3-9445265-G-A. GRCh37 (hg19) VCF-style: chr3-9486949-G-A.
Other names: c.1111G>A, p.Val371Ile (NM_001292043.2, NM_001349451.2); c.1501G>A, p.Val501Ile (NM_001437633.1); c.1462G>A, p.Val488Ile (NM_001437635.1); c.1405G>A, p.Val469Ile (NM_001437643.1); c.1444G>A, p.Val482Ile (NM_001437701.1); short protein forms V482I, V501I, V371I, V488I, V469I.
Identifiers: ClinVar variation 4747154 (VCV004747154.1).

ClinVar aggregate classification (germline): Uncertain significance (1 of 4 stars; one submission).

gnomAD v4.1: 2 of 1,608,978 alleles (0.00012%); highest among the groups gnomAD compares: Non-Finnish European, 0.00017%; no homozygotes.

Submission:

Labcorp Genetics (formerly Invitae), Labcorp
Classification: Uncertain significance. Last evaluated: 2025-04-17. Review status: criteria provided, single submitter. Criteria: Invitae Variant Classification Sherloc (09022015). Collection method: clinical testing. Allele origin: germline.
Comment: This sequence change replaces valine, which is neutral and non-polar, with isoleucine, which is neutral and non-polar, at codon 469 of the SETD5 protein (p.Val469Ile). This variant is present in population databases (no rsID available, gnomAD 0.002%). This missense change has been observed in individual(s) with autism (PMID: 22495311). Invitae Evidence Modeling of protein sequence and biophysical properties (such as structural, functional, and spatial information, amino acid conservation, physicochemical variation, residue mobility, and thermodynamic stability) indicates that this missense variant is not expected to disrupt SETD5 protein function with a negative predictive value of 80%. In summary, the available evidence is currently insufficient to determine the role of this variant in disease. Therefore, it has been classified as a Variant of Uncertain Significance.

Literature cited by the submitters: PubMed 22495311.